The following is an entry in ClinVar:

NM_024675.4(PALB2):c.3420G>A (p.Trp1140Ter)

Gene: PALB2 (partner and localizer of BRCA2; minus strand). Cytogenetic location: 16p12.2.
Variant type: single nucleotide variant.
Coding change: c.3420G>A on transcript NM_024675.4 (MANE Select); coding-DNA position 3420, G replaced by A.
Protein change: p.Trp1140Ter; replaces tryptophan 1140 with a stop codon.
Molecular consequence: nonsense.
Genome position (GRCh38, 1-based): chr16:23,603,600, C>T on the plus strand (G>A on the coding strand, the complement: PALB2 is on the minus strand). VCF-style: chr16-23603600-C-T. GRCh37 (hg19) VCF-style: chr16-23614921-C-T.
Other names: short protein forms W1140*.
Identifiers: ClinVar variation 241564 (VCV000241564.10), dbSNP rs878855118, ClinGen allele CA10583349.

ClinVar aggregate classification (germline): Pathogenic/Likely pathogenic. Review status: criteria provided, multiple submitters, no conflicts (2 of 4 stars). 2 submissions from 2 submitters: Pathogenic (1); Likely pathogenic (1). Last evaluated 2024-01-27.

Conditions:
Hereditary cancer-predisposing syndrome. Also called: Tumor predisposition; Neoplastic Syndromes, Hereditary; Hereditary Cancer Syndrome; Hereditary neoplastic syndrome. Identifiers: Orphanet 140162, MedGen C0027672, MeSH D009386, MONDO:0015356.
Familial cancer of breast. Also called: Hereditary breast cancer; BREAST CANCER, FAMILIAL; hereditary breast carcinoma. Identifiers: Orphanet 227535, MedGen C0346153, MONDO:0016419, OMIM 114480. Disease mechanism: loss of function.

gnomAD v4.1: 1 of 1,613,968 alleles (0.000062%); no homozygotes.

Submissions (2):

Ambry Genetics
Classification: Likely pathogenic for Hereditary cancer-predisposing syndrome. Last evaluated: 2024-01-27. Review status: criteria provided, single submitter. Criteria: Ambry Variant Classification Scheme 2023. Collection method: clinical testing. Allele origin: germline.
Comment: The p.W1140* variant (also known as c.3420G>A), located in coding exon 13 of the PALB2 gene, results from a G to A substitution at nucleotide position 3420. This changes the amino acid from a tryptophan to a stop codon within coding exon 13. This alteration occurs at the 3' terminus of thePALB2 gene, is not expected to trigger nonsense-mediated mRNA decay, and only impacts the last 47 amino acids of the protein. However, premature stop codons are typically deleterious in nature and the impacted region is critical for protein function (Ambry internal data). This variant is considered to be rare based on population cohorts in the Genome Aggregation Database (gnomAD). Based on the majority of available evidence to date, this variant is likely to be pathogenic.

Labcorp Genetics (formerly Invitae), Labcorp
Classification: Pathogenic for Familial cancer of breast. Last evaluated: 2023-09-05. Review status: criteria provided, single submitter. Criteria: Invitae Variant Classification Sherloc (09022015). Collection method: clinical testing. Allele origin: germline.
Comment: This variant disrupts a region of the PALB2 protein in which other variant(s) (p.Tyr1183*) have been determined to be pathogenic (PMID: 17200671). This suggests that this is a clinically significant region of the protein, and that variants that disrupt it are likely to be disease-causing. For these reasons, this variant has been classified as Pathogenic. This variant is not present in population databases (gnomAD no frequency). This sequence change creates a premature translational stop signal (p.Trp1140*) in the PALB2 gene. While this is not anticipated to result in nonsense mediated decay, it is expected to disrupt the last 47 amino acid(s) of the PALB2 protein. This variant has not been reported in the literature in individuals affected with PALB2-related conditions. ClinVar contains an entry for this variant (Variation ID: 241564).

Literature cited by the submitters: PubMed 17200671 (cited by Labcorp Genetics (formerly Invitae), Labcorp).